The following is an entry in ClinVar:

NM_015450.3(POT1):c.879A>G (p.Glu293=)

Gene: POT1 (protection of telomeres 1; minus strand). Cytogenetic location: 7q31.33.
Variant type: single nucleotide variant.
Coding change: c.879A>G on transcript NM_015450.3 (MANE Select); coding-DNA position 879, A replaced by G.
Protein change: p.Glu293=; no amino-acid change (glutamic acid 293 retained).
Molecular consequence: synonymous variant. On other transcripts: non-coding transcript variant (3).
Genome position (GRCh38, 1-based): chr7:124,851,942, T>C on the plus strand (A>G on the coding strand, the complement: POT1 is on the minus strand). VCF-style: chr7-124851942-T-C. GRCh37 (hg19) VCF-style: chr7-124491996-T-C.
Other names: c.486A>G, p.Glu162= (NM_001042594.2).
Identifiers: ClinVar variation 475108 (VCV000475108.15), dbSNP rs759178052, ClinGen allele CA4465319.

ClinVar aggregate classification (germline): Likely benign. Review status: criteria provided, multiple submitters, no conflicts (2 of 4 stars). 4 submissions from 4 submitters: Likely benign (4). Last evaluated 2026-01-11.

Conditions:
Tumor predisposition syndrome 3 (TPDS3). Also called: Glioma susceptibility 9; LONG TELOMERE SYNDROME, POT1-RELATED; POT1 Tumor Predisposition; Melanoma, cutaneous malignant, susceptibility to, 10. Identifiers: Orphanet 618, MedGen C4014476, MONDO:0014368, OMIM 615848.
Hereditary cancer-predisposing syndrome. Also called: Hereditary neoplastic syndrome; Hereditary Cancer Syndrome; Neoplastic Syndromes, Hereditary; Tumor predisposition. Identifiers: Orphanet 140162, MedGen C0027672, MeSH D009386, MONDO:0015356.

Allele frequency attached by ClinVar (database versions not stated): gnomAD 0.00004 and 0.00003; ExAC 0.00001; gnomAD exomes 0.00001 and 0.00002; TOPMed 0.00002.
gnomAD v4.1: 24 of 1,604,680 alleles (0.0015%); highest among the groups gnomAD compares: Non-Finnish European, 0.0019%; no homozygotes.

Submissions (4):

Labcorp Genetics (formerly Invitae), Labcorp
Classification: Likely benign for Tumor predisposition syndrome 3. Last evaluated: 2026-01-11. Review status: criteria provided, single submitter. Criteria: Invitae Variant Classification Sherloc (09022015). Collection method: clinical testing. Allele origin: germline.

Center for Genomic Medicine, Rigshospitalet, Copenhagen University Hospital
Classification: Likely benign. Last evaluated: 2025-03-04. Review status: criteria provided, single submitter. Criteria: ACMG Guidelines, 2015. Collection method: clinical testing. Allele origin: germline.

Ambry Genetics
Classification: Likely benign for Hereditary cancer-predisposing syndrome. Last evaluated: 2019-10-22. Review status: criteria provided, single submitter. Criteria: Ambry Variant Classification Scheme 2023. Collection method: clinical testing. Allele origin: germline.

GeneDx
Classification: Likely benign. Last evaluated: 2018-02-16. Review status: criteria provided, single submitter. Criteria: GeneDx Variant Classification (06012015). Collection method: clinical testing. Allele origin: germline. Affected: yes.
Comment: This variant is considered likely benign or benign based on one or more of the following criteria: it is a conservative change, it occurs at a poorly conserved position in the protein, it is predicted to be benign by multiple in silico algorithms, and/or has population frequency not consistent with disease.